The following is an entry in ClinVar:

ClinVar aggregate classification (germline): Conflicting classifications of pathogenicity. Review status: criteria provided, conflicting classifications (1 of 4 stars). 3 submissions from 3 submitters: Uncertain significance (1); Likely benign (1). 1 of the submissions does not count toward it. Last evaluated 2026-01-27.

Conditions:
LOXHD1-related disorder. Also called: LOXHD1-related condition.

Allele frequency attached by ClinVar (database versions not stated): gnomAD exomes 0.00009 and 0.00024; ExAC 0.00014; 1000 Genomes Project 30x 0.00016; 1000 Genomes Project 0.00020.
gnomAD v4.1: 142 of 1,551,682 alleles (0.0092%); highest among the groups gnomAD compares: Middle Eastern, 0.12%; 1 homozygote.

Submissions (3):

Labcorp Genetics (formerly Invitae), Labcorp
Classification: Likely benign. Last evaluated: 2026-01-27. Review status: criteria provided, single submitter. Criteria: Invitae Variant Classification Sherloc (09022015). Collection method: clinical testing. Allele origin: germline.

GeneDx
Classification: Uncertain significance. Last evaluated: 2024-01-03. Review status: criteria provided, single submitter. Criteria: GeneDx Variant Classification Process June 2021. Collection method: clinical testing. Allele origin: germline. Affected: yes.
Comment: Has not been previously published as pathogenic or benign to our knowledge; In silico analysis suggests this variant may impact gene splicing. In the absence of RNA/functional studies, the actual effect of this sequence change is unknown.

PreventionGenetics, part of Exact Sciences
Classification: Likely benign for LOXHD1-related condition. Last evaluated: 2020-03-03. Review status: no assertion criteria provided. Collection method: clinical testing. Allele origin: germline. Not counted in ClinVar's aggregate classification.
Comment: This variant is classified as likely benign based on ACMG/AMP sequence variant interpretation guidelines (Richards et al. 2015 PMID: 25741868, with internal and published modifications).

NM_001384474.1(LOXHD1):c.3453C>T (p.Ser1151=)

Gene: LOXHD1 (lipoxygenase homology PLAT domains 1; minus strand). Cytogenetic location: 18q21.1.
Variant type: single nucleotide variant.
Coding change: c.3453C>T on transcript NM_001384474.1 (MANE Select); coding-DNA position 3453, C replaced by T.
Protein change: p.Ser1151=; no amino-acid change (serine 1151 retained).
Molecular consequence: synonymous variant. On other transcripts: 5 prime UTR variant (1).
Genome position (GRCh38, 1-based): chr18:46,546,956, G>A on the plus strand (C>T on the coding strand, the complement: LOXHD1 is on the minus strand). VCF-style: chr18-46546956-G-A. GRCh37 (hg19) VCF-style: chr18-44126919-G-A.
Other names: c.3453C>T (NM_144612.6); c.120C>T, p.Ser40= (NM_001145472.3); c.-169C>T (NM_001308013.2); c.3453C>T, p.Ser1151= (NM_144612.7).
Identifiers: ClinVar variation 1590716 (VCV001590716.11), dbSNP rs551949683, ClinGen allele CA8952485.